The following is an entry in ClinVar:

NM_001289104.2(PRKCSH):c.136A>T (p.Ile46Phe)

Gene: PRKCSH (PRKCSH beta subunit of glucosidase II; plus strand). Cytogenetic location: 19p13.2.
Variant type: single nucleotide variant.
Coding change: c.136A>T on transcript NM_001289104.2 (MANE Select); coding-DNA position 136, A replaced by T.
Protein change: p.Ile46Phe; replaces isoleucine 46 with phenylalanine.
Molecular consequence: missense variant.
Genome position (GRCh38, 1-based): chr19:11,436,445, A>T. VCF-style: chr19-11436445-A-T. GRCh37 (hg19) VCF-style: chr19-11547266-A-T.
Other names: c.136A>T, p.Ile46Phe (NM_001001329.3, NM_001289102.2, NM_001289103.2 and 3 more transcripts); short protein forms I46F.
Identifiers: ClinVar variation 3648501 (VCV003648501.2).

ClinVar aggregate classification (germline): Uncertain significance (1 of 4 stars; one submission).

gnomAD v4.1: 2 of 1,614,162 alleles (0.00012%); highest among the groups gnomAD compares: Non-Finnish European, 0.00017%; no homozygotes.

Submission:

Labcorp Genetics (formerly Invitae), Labcorp
Classification: Uncertain significance. Last evaluated: 2024-04-10. Review status: criteria provided, single submitter. Criteria: Invitae Variant Classification Sherloc (09022015). Collection method: clinical testing. Allele origin: germline.
Comment: This sequence change replaces isoleucine, which is neutral and non-polar, with phenylalanine, which is neutral and non-polar, at codon 46 of the PRKCSH protein (p.Ile46Phe). This variant is not present in population databases (gnomAD no frequency). This variant has not been reported in the literature in individuals affected with PRKCSH-related conditions. An algorithm developed to predict the effect of missense changes on protein structure and function (PolyPhen-2) suggests that this variant is likely to be disruptive. In summary, the available evidence is currently insufficient to determine the role of this variant in disease. Therefore, it has been classified as a Variant of Uncertain Significance.